The following is an entry in ClinVar:

ClinVar aggregate classification (germline): Uncertain significance (1 of 4 stars; one submission).

Conditions:
Accelerated tumor formation, susceptibility to (ACTFS). Identifiers: MedGen C3280690, OMIM 614401, MONDO:0013733.

Allele frequency attached by ClinVar (database versions not stated): gnomAD exomes below 0.00001 and 0.00001; ExAC 0.00001.
gnomAD v4.1: 2 of 1,613,980 alleles (0.00012%); highest among the groups gnomAD compares: East Asian, 0.0045%; no homozygotes.

Submission:

Labcorp Genetics (formerly Invitae), Labcorp
Classification: Uncertain significance for Accelerated tumor formation, susceptibility to. Last evaluated: 2021-10-03. Review status: criteria provided, single submitter. Criteria: Invitae Variant Classification Sherloc (09022015). Collection method: clinical testing. Allele origin: germline.
Comment: In summary, the available evidence is currently insufficient to determine the role of this variant in disease. Therefore, it has been classified as a Variant of Uncertain Significance. Algorithms developed to predict the effect of missense changes on protein structure and function are either unavailable or do not agree on the potential impact of this missense change (SIFT: "Deleterious"; PolyPhen-2: "Benign"; Align-GVGD: "Class C0"). This variant has not been reported in the literature in individuals affected with MDM2-related conditions. This variant is present in population databases (rs780673045, ExAC 0.01%). This sequence change replaces serine with glycine at codon 413 of the MDM2 protein (p.Ser413Gly). The serine residue is highly conserved and there is a small physicochemical difference between serine and glycine.

NM_002392.6(MDM2):c.1237A>G (p.Ser413Gly)

Gene: MDM2 (MDM2 proto-oncogene; plus strand). Cytogenetic location: 12q15.
Variant type: single nucleotide variant.
Coding change: c.1237A>G on transcript NM_002392.6 (MANE Select); coding-DNA position 1237, A replaced by G.
Protein change: p.Ser413Gly; replaces serine 413 with glycine.
Molecular consequence: missense variant.
Genome position (GRCh38, 1-based): chr12:68,839,592, A>G. VCF-style: chr12-68839592-A-G. GRCh37 (hg19) VCF-style: chr12-69233372-A-G.
Other names: c.1078A>G, p.Ser360Gly (NM_001145337.3); c.1072A>G, p.Ser358Gly (NM_001145339.2); c.631A>G, p.Ser211Gly (NM_001145340.3); c.709A>G, p.Ser237Gly (NM_001278462.2); c.1219A>G, p.Ser407Gly (NM_001367990.1); short protein forms S360G, S237G, S407G, S413G, S211G, S358G.
Identifiers: ClinVar variation 1507206 (VCV001507206.6), dbSNP rs780673045, ClinGen allele CA6678880.